The following is an entry in ClinVar:

ClinVar aggregate classification (germline): Uncertain significance (1 of 4 stars; one submission).

Submission:

Ambry Genetics
Classification: Uncertain significance. Last evaluated: 2021-10-06. Review status: criteria provided, single submitter. Criteria: Ambry Variant Classification Scheme 2023. Collection method: clinical testing. Allele origin: germline.
Comment: The p.C201Y variant (also known as c.602G>A), located in coding exon 7 of the BUB1 gene, results from a G to A substitution at nucleotide position 602. The cysteine at codon 201 is replaced by tyrosine, an amino acid with highly dissimilar properties. This amino acid position is conserved. In addition, this alteration is predicted to be tolerated by in silico analysis. Since supporting evidence is limited at this time, the clinical significance of this alteration remains unclear.

NM_004336.5(BUB1):c.602G>A (p.Cys201Tyr)

Gene: BUB1 (BUB1 mitotic checkpoint serine/threonine kinase; minus strand). Cytogenetic location: 2q13.
Variant type: single nucleotide variant.
Coding change: c.602G>A on transcript NM_004336.5 (MANE Select); coding-DNA position 602, G replaced by A.
Protein change: p.Cys201Tyr; replaces cysteine 201 with tyrosine.
Molecular consequence: missense variant.
Genome position (GRCh38, 1-based): chr2:110,667,815, C>T on the plus strand (G>A on the coding strand, the complement: BUB1 is on the minus strand). VCF-style: chr2-110667815-C-T. GRCh37 (hg19) VCF-style: chr2-111425392-C-T.
Other names: c.542G>A, p.Cys181Tyr (NM_001278616.2); c.602G>A, p.Cys201Tyr (NM_001278617.2); short protein forms C201Y, C181Y.
Identifiers: ClinVar variation 1751173 (VCV001751173.2), dbSNP rs2468028688, ClinGen allele CA348218201.